The following is an entry in ClinVar:

ClinVar aggregate classification (germline): Pathogenic (1 of 4 stars; one submission).

Submission:

Labcorp Genetics (formerly Invitae), Labcorp
Classification: Pathogenic. Last evaluated: 2021-10-12. Review status: criteria provided, single submitter. Criteria: Invitae Variant Classification Sherloc (09022015). Collection method: clinical testing. Allele origin: germline.
Comment: This sequence change creates a premature translational stop signal (p.Phe293Glufs*3) in the GPR143 gene. It is expected to result in an absent or disrupted protein product. Loss-of-function variants in GPR143 are known to be pathogenic (PMID: 15965158, 18978956, 19390656, 21541274, 26160353, 28211458). This variant is not present in population databases (ExAC no frequency). This premature translational stop signal has been observed in individual(s) with ocular albinism (PMID: 26785811). This variant is also known as c.878_885+2del. Algorithms developed to predict the effect of sequence changes on RNA splicing suggest that this variant may disrupt the consensus splice site. For these reasons, this variant has been classified as Pathogenic.

Literature cited by the submitters: PubMed 15965158; PubMed 18978956; PubMed 19390656; PubMed 21541274; PubMed 26160353; PubMed 28211458; PubMed 26785811.

NM_000273.3(GPR143):c.878_885+2del

Gene: GPR143 (G protein-coupled receptor 143; minus strand). Cytogenetic location: Xp22.2.
Variant type: Deletion.
Coding change: c.878_885+2del on transcript NM_000273.3 (MANE Select); coding-DNA position 878 through the canonical splice donor site of the intron after coding-DNA position 885, 10 bases deleted (TTATTATGGT; older notation c.878_885+2delTTATTATGGT).
Molecular consequence: splice donor variant.
Genome position (GRCh38, 1-based): chrX:9,741,336-9,741,345, ACCATAATAA deleted on the plus strand (TTATTATGGT on the coding strand, the reverse complement: GPR143 is on the minus strand); deleting any 10 consecutive bases within chrX:9,741,336-9,741,350 gives the same sequence; the c. name uses the placement nearest the transcript's 3' end. VCF-style (leftmost placement, unchanged base first): chrX-9741335-TACCATAATAA-T. GRCh37 (hg19) VCF-style: chrX-9709375-TACCATAATAA-T.
Identifiers: ClinVar variation 1359642 (VCV001359642.6), dbSNP rs2146685694, ClinGen allele CA2573159515.